The following is an entry in ClinVar:

NM_133259.4(LRPPRC):c.3364+1G>C

Gene: LRPPRC (leucine rich pentatricopeptide repeat containing; minus strand). Cytogenetic location: 2p21.
Variant type: single nucleotide variant.
Coding change: c.3364+1G>C on transcript NM_133259.4 (MANE Select); the canonical splice donor site of the intron after coding-DNA position 3364, G replaced by C.
Molecular consequence: splice donor variant.
Genome position (GRCh38, 1-based): chr2:43,905,691, C>G on the plus strand (G>C on the coding strand, the complement: LRPPRC is on the minus strand). VCF-style: chr2-43905691-C-G. GRCh37 (hg19) VCF-style: chr2-44132830-C-G.
Identifiers: ClinVar variation 955945 (VCV000955945.8), dbSNP rs1671044312, ClinGen allele CA346664821.

ClinVar aggregate classification (germline): Likely pathogenic (1 of 4 stars; one submission).

Submission:

Labcorp Genetics (formerly Invitae), Labcorp
Classification: Likely pathogenic. Last evaluated: 2022-02-03. Review status: criteria provided, single submitter. Criteria: Invitae Variant Classification Sherloc (09022015). Collection method: clinical testing. Allele origin: germline.
Comment: This sequence change affects a donor splice site in intron 31 of the LRPPRC gene. It is expected to disrupt RNA splicing. Variants that disrupt the donor or acceptor splice site typically lead to a loss of protein function (PMID: 16199547), and loss-of-function variants in LRPPRC are known to be pathogenic (PMID: 26510951). This variant is not present in population databases (gnomAD no frequency). This variant has not been reported in the literature in individuals affected with LRPPRC-related conditions. ClinVar contains an entry for this variant (Variation ID: 955945). Algorithms developed to predict the effect of sequence changes on RNA splicing suggest that this variant may disrupt the consensus splice site. In summary, the currently available evidence indicates that the variant is pathogenic, but additional data are needed to prove that conclusively. Therefore, this variant has been classified as Likely Pathogenic.

Literature cited by the submitters: PubMed 16199547; PubMed 26510951.